The following is an entry in ClinVar:

NM_001130987.2(DYSF):c.1063C>A (p.Leu355Ile)

Gene: DYSF (dysferlin; plus strand). Cytogenetic location: 2p13.2.
Variant type: single nucleotide variant.
Coding change: c.1063C>A on transcript NM_001130987.2 (MANE Select); coding-DNA position 1063, C replaced by A.
Protein change: p.Leu355Ile; replaces leucine 355 with isoleucine.
Molecular consequence: missense variant.
Genome position (GRCh38, 1-based): chr2:71,520,818, C>A. VCF-style: chr2-71520818-C-A. GRCh37 (hg19) VCF-style: chr2-71747948-C-A.
Other names: c.970C>A, p.Leu324Ile (NM_001130455.2, NM_001130983.2, NM_001130984.2 and 1 more transcripts); c.967C>A, p.Leu323Ile (NM_001130976.2, NM_001130977.2, NM_001130978.2 and 1 more transcripts); c.1060C>A, p.Leu354Ile (NM_001130979.2, NM_001130980.2, NM_001130981.2); c.1063C>A, p.Leu355Ile (NM_001130982.2, NM_001130985.2); short protein forms L324I, L354I, L355I, L323I.
Identifiers: ClinVar variation 1998412 (VCV001998412.4), dbSNP rs886044387, ClinGen allele CA347211985.
Genomic context (GRCh38, chr2:71,520,818, plus strand): 5'-TGGGATCACCAGAGGATGTTGTCTCTCTTAGGGCACGCCTATCTCAGGAAGTGGCTGCTG[C>A]TCTCAGACCCTGATGACTTCTCTGCTGGGGCCAGAGGCTACCTGAAAACAAGCCTTTGTG-3'
Protein context (NP_001124459.1, residues 345-365): RHAYLRKWLL[Leu355Ile]SDPDDFSAGA

ClinVar aggregate classification (germline): Uncertain significance (1 of 4 stars; one submission).

Conditions:
Neuromuscular disease caused by qualitative or quantitative defects of dysferlin. Also called: Dysferlinopathy; Qualitative or quantitative defects of dysferlin. Identifiers: Orphanet 207073, MedGen C2931687, MONDO:0016145.

Submission:

Labcorp Genetics (formerly Invitae), Labcorp
Classification: Uncertain significance for Neuromuscular disease caused by qualitative or quantitative defects of dysferlin. Last evaluated: 2022-05-25. Review status: criteria provided, single submitter. Criteria: Invitae Variant Classification Sherloc (09022015). Collection method: clinical testing. Allele origin: germline.
Comment: This variant has not been reported in the literature in individuals affected with DYSF-related conditions. This sequence change replaces leucine, which is neutral and non-polar, with isoleucine, which is neutral and non-polar, at codon 323 of the DYSF protein (p.Leu323Ile). This variant is not present in population databases (gnomAD no frequency). Algorithms developed to predict the effect of missense changes on protein structure and function are either unavailable or do not agree on the potential impact of this missense change (SIFT: "Tolerated"; PolyPhen-2: "Probably Damaging"; Align-GVGD: "Class C0"). In summary, the available evidence is currently insufficient to determine the role of this variant in disease. Therefore, it has been classified as a Variant of Uncertain Significance.